The following is an entry in ClinVar:

NM_206926.2(SELENON):c.183+14C>G

Gene: SELENON (selenoprotein N; plus strand). Cytogenetic location: 1p36.11.
Variant type: single nucleotide variant.
Coding change: c.183+14C>G on transcript NM_206926.2 (MANE Select); 14 bases into the intron after coding-DNA position 183, C replaced by G.
Molecular consequence: intron variant.
Genome position (GRCh38, 1-based): chr1:25,800,427, C>G. VCF-style: chr1-25800427-C-G. GRCh37 (hg19) VCF-style: chr1-26126918-C-G.
Other names: c.183+14C>G (NM_020451.3).
Identifiers: ClinVar variation 193431 (VCV000193431.8), dbSNP rs794726949, ClinGen allele CA238959.

ClinVar aggregate classification (germline): Uncertain significance. Review status: criteria provided, multiple submitters, no conflicts (2 of 4 stars). 2 submissions from 2 submitters: Uncertain significance (2). Last evaluated 2022-06-14.

Conditions:
Eichsfeld type congenital muscular dystrophy (CMYO3). Also called: MYOPATHY, SEPN1-RELATED; SELENON-related myopathy; Congenital myopathy 3 with rigid spine; Rigid spine muscular dystrophy 1. Identifiers: MedGen C0410180, MONDO:0100100, OMIM 602771.

Allele frequency attached by ClinVar (database versions not stated): gnomAD exomes 0.00004; gnomAD 0.00003 and 0.00004; TOPMed 0.00003.
gnomAD v4.1: 42 of 1,095,190 alleles (0.0038%); highest among the groups gnomAD compares: Admixed American, 0.01%; no homozygotes.

Submissions (2):

Labcorp Genetics (formerly Invitae), Labcorp
Classification: Uncertain significance for Eichsfeld type congenital muscular dystrophy. Last evaluated: 2022-06-14. Review status: criteria provided, single submitter. Criteria: Invitae Variant Classification Sherloc (09022015). Collection method: clinical testing. Allele origin: germline.
Comment: This sequence change falls in intron 1 of the SELENON gene. It does not directly change the encoded amino acid sequence of the SELENON protein. This variant is not present in population databases (gnomAD no frequency). This variant has not been reported in the literature in individuals affected with SELENON-related conditions. ClinVar contains an entry for this variant (Variation ID: 193431). Algorithms developed to predict the effect of sequence changes on RNA splicing suggest that this variant may create or strengthen a splice site. In summary, the available evidence is currently insufficient to determine the role of this variant in disease. Therefore, it has been classified as a Variant of Uncertain Significance.

Eurofins Ntd Llc (ga)
Classification: Uncertain significance. Last evaluated: 2014-12-01. Review status: criteria provided, single submitter. Criteria: EGL Classification Definitions 2015. Collection method: clinical testing. Allele origin: germline. Observed: 1 variant allele, 1 heterozygote.